The following is an entry in ClinVar:

ClinVar aggregate classification (germline): Uncertain significance. Review status: criteria provided, multiple submitters, no conflicts (2 of 4 stars). 2 submissions from 2 submitters: Uncertain significance (2). Last evaluated 2026-07-07.

Conditions:
Hereditary cancer-predisposing syndrome. Also called: Hereditary Cancer Syndrome; Hereditary neoplastic syndrome; Neoplastic Syndromes, Hereditary; Tumor predisposition. Identifiers: Orphanet 140162, MedGen C0027672, MeSH D009386, MONDO:0015356.
Rhabdoid tumor predisposition syndrome 2 (RTPS2). Identifiers: Orphanet 231108, Orphanet 69077, MedGen C2750074, MONDO:0013224, OMIM 613325.

Submissions (2):

Ambry Genetics
Classification: Uncertain significance for Hereditary cancer-predisposing syndrome. Last evaluated: 2026-07-07. Review status: criteria provided, single submitter. Criteria: Ambry Variant Classification Scheme 2023. Collection method: clinical testing. Allele origin: germline.
Comment: The p.M342I variant (also known as c.1026G>A), located in coding exon 5 of the SMARCA4 gene, results from a G to A substitution at nucleotide position 1026. The methionine at codon 342 is replaced by isoleucine, an amino acid with highly similar properties. This amino acid position is conserved. In addition, this alteration is predicted to be tolerated by in silico analysis. Based on the available evidence, the clinical significance of this variant remains unclear.

Labcorp Genetics (formerly Invitae), Labcorp
Classification: Uncertain significance for Rhabdoid tumor predisposition syndrome 2. Last evaluated: 2025-03-03. Review status: criteria provided, single submitter. Criteria: Invitae Variant Classification Sherloc (09022015). Collection method: clinical testing. Allele origin: germline.
Comment: This sequence change replaces methionine, which is neutral and non-polar, with isoleucine, which is neutral and non-polar, at codon 342 of the SMARCA4 protein (p.Met342Ile). This variant is not present in population databases (gnomAD no frequency). This variant has not been reported in the literature in individuals affected with SMARCA4-related conditions. Invitae Evidence Modeling of protein sequence and biophysical properties (such as structural, functional, and spatial information, amino acid conservation, physicochemical variation, residue mobility, and thermodynamic stability) indicates that this missense variant is not expected to disrupt SMARCA4 protein function with a negative predictive value of 95%. In summary, the available evidence is currently insufficient to determine the role of this variant in disease. Therefore, it has been classified as a Variant of Uncertain Significance.

NM_003072.5(SMARCA4):c.1026G>A (p.Met342Ile)

Gene: SMARCA4 (SWI/SNF related BAF chromatin remodeling complex subunit ATPase 4; plus strand). Cytogenetic location: 19p13.2.
Variant type: single nucleotide variant.
Coding change: c.1026G>A on transcript NM_003072.5 (MANE Select); coding-DNA position 1026, G replaced by A.
Protein change: p.Met342Ile; replaces methionine 342 with isoleucine.
Molecular consequence: missense variant. On other transcripts: non-coding transcript variant (1).
Genome position (GRCh38, 1-based): chr19:10,987,832, G>A. VCF-style: chr19-10987832-G-A. GRCh37 (hg19) VCF-style: chr19-11098508-G-A.
Other names: c.1026G>A, p.Met342Ile (NM_001128844.3, NM_001128845.2, NM_001128846.2 and 6 more transcripts); c.1026G>A (NM_001128849.1); short protein forms M342I.
Identifiers: ClinVar variation 4798048 (VCV004798048.2).
Genomic context (GRCh38, chr19:10,987,832, plus strand): 5'-CTCGCCCGTGATGCCACCGCAGACCCAGTCCCCCGGGCAGCCGGCCCAGCCCGCGCCCAT[G>A]GTGCCACTGCACCAGAAGCAGAGCCGCATCACCCCCATCCAGAAGCCGCGGGGCCTCGAC-3'
Protein context (NP_003063.2, residues 332-352): SPGQPAQPAP[Met342Ile]VPLHQKQSRI